The following is an entry in ClinVar:

ClinVar aggregate classification (germline): Pathogenic (1 of 4 stars; one submission).

Conditions:
Arginase deficiency. Also called: ARGININEMIA; ARG1 DEFICIENCY; Arginase 1 Deficiency. Identifiers: Orphanet 90, MedGen C0268548, MONDO:0008814, OMIM 207800.

Submission:

Labcorp Genetics (formerly Invitae), Labcorp
Classification: Pathogenic for Arginase deficiency. Last evaluated: 2022-07-26. Review status: criteria provided, single submitter. Criteria: Invitae Variant Classification Sherloc (09022015). Collection method: clinical testing. Allele origin: germline.
Comment: For these reasons, this variant has been classified as Pathogenic. Algorithms developed to predict the effect of sequence changes on RNA splicing suggest that this variant may disrupt the consensus splice site. This variant has not been reported in the literature in individuals affected with ARG1-related conditions. This variant is not present in population databases (gnomAD no frequency). This sequence change creates a premature translational stop signal (p.Lys224Glyfs*5) in the ARG1 gene. It is expected to result in an absent or disrupted protein product. Loss-of-function variants in ARG1 are known to be pathogenic (PMID: 7649538, 12052859).

Literature cited by the submitters: PubMed 7649538; PubMed 12052859.

NC_000006.12:g.131583354GAAA[1]

Genes: ARG1 (arginase 1; plus strand), MED23 (mediator complex subunit 23; minus strand). Cytogenetic location: 6q23.2.
Variant type: Microsatellite.
Molecular consequence: intron variant (on NM_001270521.2).
Genome position: GRCh38 VCF-style: chr6-131583350-AAAAG-A. GRCh37 (hg19) VCF-style: chr6-131904490-AAAAG-A.
Other names: c.4077+4355_4077+4358del (NM_001270521.2); c.4095+4355_4095+4358del (NM_015979.4).
Identifiers: ClinVar variation 2041678 (VCV002041678.4), ClinGen allele CA2580615774.